The following is an entry in ClinVar:

ClinVar aggregate classification (germline): Pathogenic (1 of 4 stars; one submission).

Conditions:
Primary ciliary dyskinesia. Also called: Ciliary dyskinesia. Identifiers: Orphanet 244, MedGen C0008780, MONDO:0016575, HP:0012265.

gnomAD v4.1: 6 of 1,613,820 alleles (0.00037%); highest among the groups gnomAD compares: Non-Finnish European, 0.00051%; no homozygotes.

Submission:

Labcorp Genetics (formerly Invitae), Labcorp
Classification: Pathogenic for Primary ciliary dyskinesia. Last evaluated: 2024-09-01. Review status: criteria provided, single submitter. Criteria: Invitae Variant Classification Sherloc (09022015). Collection method: clinical testing. Allele origin: germline.
Comment: This sequence change creates a premature translational stop signal (p.Gln795*) in the DNAH8 gene. It is expected to result in an absent or disrupted protein product. Loss-of-function variants in DNAH8 are known to be pathogenic (PMID: 24307375, 32619401, 32681648). This variant is present in population databases (rs139248988, gnomAD 0.0009%). This variant has not been reported in the literature in individuals affected with DNAH8-related conditions. Algorithms developed to predict the effect of sequence changes on RNA splicing suggest that this variant may disrupt the consensus splice site. For these reasons, this variant has been classified as Pathogenic.

Literature cited by the submitters: PubMed 24307375; PubMed 32619401; PubMed 32681648.

NM_001206927.2(DNAH8):c.2383C>T (p.Gln795Ter)

Gene: DNAH8 (dynein axonemal heavy chain 8; plus strand). Cytogenetic location: 6p21.2.
Variant type: single nucleotide variant.
Coding change: c.2383C>T on transcript NM_001206927.2 (MANE Select); coding-DNA position 2383, C replaced by T.
Protein change: p.Gln795Ter; replaces glutamine 795 with a stop codon.
Molecular consequence: nonsense.
Genome position (GRCh38, 1-based): chr6:38,783,127, C>T. VCF-style: chr6-38783127-C-T. GRCh37 (hg19) VCF-style: chr6-38750903-C-T.
Other names: c.1732C>T, p.Gln578Ter (NM_001371.4); short protein forms Q578*, Q795*.
Identifiers: ClinVar variation 3629000 (VCV003629000.2).